The following is an entry in ClinVar:

NM_001039348.3(EFEMP1):c.1047G>A (p.Met349Ile)

Gene: EFEMP1 (EGF-like fibulin extracellular matrix protein 1; minus strand). Cytogenetic location: 2p16.1.
Variant type: single nucleotide variant.
Coding change: c.1047G>A on transcript NM_001039348.3 (MANE Select); coding-DNA position 1047, G replaced by A.
Protein change: p.Met349Ile; replaces methionine 349 with isoleucine.
Molecular consequence: missense variant.
Genome position (GRCh38, 1-based): chr2:55,871,077, C>T on the plus strand (G>A on the coding strand, the complement: EFEMP1 is on the minus strand). VCF-style: chr2-55871077-C-T. GRCh37 (hg19) VCF-style: chr2-56098212-C-T.
Other names: c.1047G>A, p.Met349Ile (NM_001039349.3); short protein forms M349I.
Identifiers: ClinVar variation 1916498 (VCV001916498.5), dbSNP rs1181963582, ClinGen allele CA347028422.

ClinVar aggregate classification (germline): Uncertain significance (1 of 4 stars; one submission).

Allele frequency attached by ClinVar (database versions not stated): gnomAD 0.00001; TOPMed 0.00001.
gnomAD v4.1: 4 of 1,613,612 alleles (0.00025%); highest among the groups gnomAD compares: Non-Finnish European, 0.00034%; no homozygotes.

Submission:

Labcorp Genetics (formerly Invitae), Labcorp
Classification: Uncertain significance. Last evaluated: 2022-11-08. Review status: criteria provided, single submitter. Criteria: Invitae Variant Classification Sherloc (09022015). Collection method: clinical testing. Allele origin: germline.
Comment: In summary, the available evidence is currently insufficient to determine the role of this variant in disease. Therefore, it has been classified as a Variant of Uncertain Significance. Advanced modeling of protein sequence and biophysical properties (such as structural, functional, and spatial information, amino acid conservation, physicochemical variation, residue mobility, and thermodynamic stability) performed at Invitae indicates that this missense variant is not expected to disrupt EFEMP1 protein function. This variant has not been reported in the literature in individuals affected with EFEMP1-related conditions. This variant is present in population databases (no rsID available, gnomAD 0.0009%). This sequence change replaces methionine, which is neutral and non-polar, with isoleucine, which is neutral and non-polar, at codon 349 of the EFEMP1 protein (p.Met349Ile).